The following is an entry in ClinVar:

NM_006231.4(POLE):c.1474-3C>T

Gene: POLE (DNA polymerase epsilon, catalytic subunit; minus strand). Cytogenetic location: 12q24.33.
Variant type: single nucleotide variant.
Coding change: c.1474-3C>T on transcript NM_006231.4 (MANE Select); 3 bases into the intron before coding-DNA position 1474, C replaced by T.
Molecular consequence: intron variant.
Genome position (GRCh38, 1-based): chr12:132,672,842, G>A on the plus strand (C>T on the coding strand, the complement: POLE is on the minus strand). VCF-style: chr12-132672842-G-A. GRCh37 (hg19) VCF-style: chr12-133249428-G-A.
Identifiers: ClinVar variation 1773430 (VCV001773430.3), dbSNP rs1593071467, ClinGen allele CA2580086021.

ClinVar aggregate classification (germline): Uncertain significance (1 of 4 stars; one submission).

Conditions:
Hereditary cancer-predisposing syndrome. Also called: Hereditary Cancer Syndrome; Hereditary neoplastic syndrome; Neoplastic Syndromes, Hereditary; Tumor predisposition. Identifiers: Orphanet 140162, MedGen C0027672, MeSH D009386, MONDO:0015356.

Submission:

Ambry Genetics
Classification: Uncertain significance for Hereditary cancer-predisposing syndrome. Last evaluated: 2025-06-09. Review status: criteria provided, single submitter. Criteria: Ambry Variant Classification Scheme 2023. Collection method: clinical testing. Allele origin: germline.
Comment: The c.1474-3C>T intronic variant results from a C to T substitution 3 nucleotides upstream from coding exon 15 in the POLE gene. This nucleotide position is not well conserved in available vertebrate species. In silico splice site analysis predicts that this alteration will not have any significant effect on splicing. Based on the available evidence, the clinical significance of this variant remains unclear.